The following is an entry in ClinVar:

ClinVar aggregate classification (germline): Uncertain significance (1 of 4 stars; one submission).

Allele frequency attached by ClinVar (database versions not stated): gnomAD exomes below 0.00001; TOPMed below 0.00001; gnomAD 0.00001.

Submission:

Labcorp Genetics (formerly Invitae), Labcorp
Classification: Uncertain significance. Last evaluated: 2025-09-07. Review status: criteria provided, single submitter. Criteria: Invitae Variant Classification Sherloc (09022015). Collection method: clinical testing. Allele origin: germline.
Comment: This sequence change replaces alanine, which is neutral and non-polar, with valine, which is neutral and non-polar, at codon 19 of the TNFRSF11A protein (p.Ala19Val). This variant is present in population databases (no rsID available, gnomAD 0.007%). This variant has not been reported in the literature in individuals affected with TNFRSF11A-related conditions. ClinVar contains an entry for this variant (Variation ID: 1523255). An algorithm developed to predict the effect of missense changes on protein structure and function outputs the following: PolyPhen-2: "Not Available". The valine amino acid residue is found in multiple mammalian species, which suggests that this missense change does not adversely affect protein function. In summary, the available evidence is currently insufficient to determine the role of this variant in disease. Therefore, it has been classified as a Variant of Uncertain Significance.

NM_003839.4(TNFRSF11A):c.56C>T (p.Ala19Val)

Gene: TNFRSF11A (TNF receptor superfamily member 11a; plus strand). Cytogenetic location: 18q21.33.
Variant type: single nucleotide variant.
Coding change: c.56C>T on transcript NM_003839.4 (MANE Select); coding-DNA position 56, C replaced by T.
Protein change: p.Ala19Val; replaces alanine 19 with valine.
Molecular consequence: missense variant.
Genome position (GRCh38, 1-based): chr18:62,325,408, C>T. VCF-style: chr18-62325408-C-T. GRCh37 (hg19) VCF-style: chr18-59992641-C-T.
Other names: c.56C>T, p.Ala19Val (NM_001270949.2, NM_001270950.2, NM_001270951.2 and 1 more transcripts); short protein forms A19V.
Identifiers: ClinVar variation 1523255 (VCV001523255.8), dbSNP rs1198549517, ClinGen allele CA402618748.